The following is an entry in ClinVar:

ClinVar aggregate classification (germline): Uncertain significance (1 of 4 stars; one submission).

Conditions:
Inborn genetic diseases. Identifiers: MedGen C0950123, MeSH D030342.

Submission:

Ambry Genetics
Classification: Uncertain significance for Inborn genetic diseases. Last evaluated: 2023-08-02. Review status: criteria provided, single submitter. Criteria: Ambry Variant Classification Scheme 2023. Collection method: clinical testing. Allele origin: germline.
Comment: The p.N522S variant (also known as c.1565A>G), located in coding exon 17 of the ERCC2 gene, results from an A to G substitution at nucleotide position 1565. The asparagine at codon 522 is replaced by serine, an amino acid with highly similar properties. This amino acid position is conserved. In addition, this alteration is predicted to be tolerated by in silico analysis. Since supporting evidence is limited at this time, the clinical significance of this alteration remains unclear.

NM_000400.4(ERCC2):c.1565A>G (p.Asn522Ser)

Gene: ERCC2 (ERCC excision repair 2, TFIIH core complex helicase subunit; minus strand). Cytogenetic location: 19q13.32.
Variant type: single nucleotide variant.
Coding change: c.1565A>G on transcript NM_000400.4 (MANE Select); coding-DNA position 1565, A replaced by G.
Protein change: p.Asn522Ser; replaces asparagine 522 with serine.
Molecular consequence: missense variant.
Genome position (GRCh38, 1-based): chr19:45,354,830, T>C on the plus strand (A>G on the coding strand, the complement: ERCC2 is on the minus strand). VCF-style: chr19-45354830-T-C. GRCh37 (hg19) VCF-style: chr19-45858088-T-C.
Other names: short protein forms N522S.
Identifiers: ClinVar variation 2586787 (VCV002586787.2), dbSNP rs2514006381, ClinGen allele CA406365547.
Genomic context (GRCh38, chr19:45,354,830, plus strand): 5'-TAGCTGGTGAAGAAGGCCACGATGCCATCAGGGACCACAGCGGACATCTCCAGCAGGAGG[T>C]TCCCATAGTTCCGGATCACAGCTGCAAGGGGTCAGAGGTTGGGCCCTCTCCTGGCCCAGG-3'
Protein context (NP_000391.1, residues 512-532): EDIAVIRNYG[Asn522Ser]LLLEMSAVVP